The following is an entry in ClinVar:

ClinVar aggregate classification (germline): Uncertain significance (1 of 4 stars; one submission).

Conditions:
Mucopolysaccharidosis, MPS-III-A (MPS3A). Also called: HEPARAN SULFATE SULFATASE DEFICIENCY; SANFILIPPO SYNDROME A; SULFAMIDASE DEFICIENCY; MPS III A; Mucopolysaccharidosis type IIIA (Sanfilippo A); Mucopolysaccharidosis, type IIIA. Identifiers: Orphanet 581, Orphanet 79269, MedGen C0086647, MONDO:0009655, OMIM 252900.

Allele frequency attached by ClinVar (database versions not stated): TOPMed below 0.00001.

Submission:

Labcorp Genetics (formerly Invitae), Labcorp
Classification: Uncertain significance for Mucopolysaccharidosis, MPS-III-A. Last evaluated: 2022-06-17. Review status: criteria provided, single submitter. Criteria: Invitae Variant Classification Sherloc (09022015). Collection method: clinical testing. Allele origin: germline.
Comment: Algorithms developed to predict the effect of missense changes on protein structure and function are either unavailable or do not agree on the potential impact of this missense change (SIFT: "Tolerated"; PolyPhen-2: "Probably Damaging"; Align-GVGD: "Class C0"). In summary, the available evidence is currently insufficient to determine the role of this variant in disease. Therefore, it has been classified as a Variant of Uncertain Significance. This variant has not been reported in the literature in individuals affected with SGSH-related conditions. This variant is not present in population databases (gnomAD no frequency). This sequence change replaces arginine, which is basic and polar, with glycine, which is neutral and non-polar, at codon 414 of the SGSH protein (p.Arg414Gly).

NM_000199.5(SGSH):c.1240C>G (p.Arg414Gly)

Gene: SGSH (N-sulfoglucosamine sulfohydrolase; minus strand). Cytogenetic location: 17q25.3.
Variant type: single nucleotide variant.
Coding change: c.1240C>G on transcript NM_000199.5 (MANE Select); coding-DNA position 1240, C replaced by G.
Protein change: p.Arg414Gly; replaces arginine 414 with glycine.
Molecular consequence: missense variant. On other transcripts: 3 prime UTR variant (2), non-coding transcript variant (1).
Genome position (GRCh38, 1-based): chr17:80,210,721, G>C on the plus strand (C>G on the coding strand, the complement: SGSH is on the minus strand). VCF-style: chr17-80210721-G-C. GRCh37 (hg19) VCF-style: chr17-78184520-G-C.
Other names: c.*327C>G (NM_001352921.3); c.*290C>G (NM_001352922.2); short protein forms R414G.
Identifiers: ClinVar variation 2006986 (VCV002006986.2), dbSNP rs1354462020, ClinGen allele CA401358841.
Genomic context (GRCh38, chr17:80,210,721, plus strand): 5'-CCCGGTAGTAGTAATGACGGAGGTCCTTGTACCAGCCCGTGGGCTGACCAGCTGTGGTGC[G>C]GTTCAGGAGGTCCTGGAAGGTGGGTGAGACGTAGAAGTCCTGGTCGATGGGAAAGGGCAT-3'
Protein context (NP_000190.1, residues 404-424): VSPTFQDLLN[Arg414Gly]TTAGQPTGWY